The following is an entry in ClinVar:

NM_000257.4(MYH7):c.2808C>T (p.Leu936=)

Gene: MYH7 (myosin heavy chain 7; minus strand). Cytogenetic location: 14q11.2.
Variant type: single nucleotide variant.
Coding change: c.2808C>T on transcript NM_000257.4 (MANE Select); coding-DNA position 2808, C replaced by T.
Protein change: p.Leu936=; no amino-acid change (leucine 936 retained).
Molecular consequence: synonymous variant.
Genome position (GRCh38, 1-based): chr14:23,424,021, G>A on the plus strand (C>T on the coding strand, the complement: MYH7 is on the minus strand). VCF-style: chr14-23424021-G-A. GRCh37 (hg19) VCF-style: chr14-23893230-G-A.
Other names: c.2808C>T, p.Leu936= (NM_001407004.1).
Identifiers: ClinVar variation 2578712 (VCV002578712.25), dbSNP rs2502279688, ClinGen allele CA485766946.

ClinVar aggregate classification (germline): Likely benign (1 of 4 stars; one submission).

Submission:

CeGaT Center for Human Genetics Tuebingen
Classification: Likely benign. Last evaluated: 2023-09-01. Review status: criteria provided, single submitter. Criteria: CeGaT Center For Human Genetics Tuebingen Variant Classification Criteria Version 2. Collection method: clinical testing. Allele origin: germline. Affected: yes. Observed: 1 variant allele.
Comment: MYH7: PM2:Supporting, BP4, BP7